The following is an entry in ClinVar:

ClinVar aggregate classification (germline): Uncertain significance (1 of 4 stars; one submission).

Conditions:
Familial thoracic aortic aneurysm and aortic dissection (TAAD). Also called: Thoracic aortic aneurysms and dissections. Identifiers: Orphanet 91387, MedGen C4707243, MONDO:0019625.

Submission:

Ambry Genetics
Classification: Uncertain significance for Familial thoracic aortic aneurysm and aortic dissection. Last evaluated: 2025-09-16. Review status: criteria provided, single submitter. Criteria: Ambry Variant Classification Scheme 2023. Collection method: clinical testing. Allele origin: germline.
Comment: The c.2103_2105delTGGinsCGA variant, located in coding exon 12 of the MYLK gene, results from an in-frame deletion of TGG and insertion of CGA at nucleotide positions 2103 to 2105. This results in the substitution of the glycine residue for a glutamic acid residue at codon 702, an amino acid with similar properties. This amino acid position is highly conserved in available vertebrate species. In addition, this alteration is predicted to be deleterious by in silico analysis. Based on the available evidence, the clinical significance of this alteration remains unclear.

NM_053025.4(MYLK):c.2103_2105delinsCGA (p.Gly702Glu)

Gene: MYLK (myosin light chain kinase; minus strand). Cytogenetic location: 3q21.1.
Variant type: Indel.
Coding change: c.2103_2105delinsCGA on transcript NM_053025.4 (MANE Select); coding-DNA positions 2103 to 2105, TGG replaced by CGA.
Protein change: p.Gly702Glu; replaces glycine 702 with glutamic acid.
Molecular consequence: missense variant.
Genome position (GRCh38, 1-based): chr3:123,708,733-123,708,735, CCA replaced by TCG on the plus strand (TGG replaced by CGA on the coding strand, the reverse complement: MYLK is on the minus strand). VCF-style: chr3-123708733-CCA-TCG. GRCh37 (hg19) VCF-style: chr3-123427580-CCA-TCG.
Other names: c.1575_1577delinsCGA, p.Gly526Glu (NM_001321309.2); c.1896_1898delinsCGA, p.Gly633Glu (NM_053026.4, NM_053028.4); c.2103_2105delinsCGA, p.Gly702Glu (NM_053027.4); short protein forms G633E, G526E, G702E.
Identifiers: ClinVar variation 4635433 (VCV004635433.1).